The following is an entry in ClinVar:

ClinVar aggregate classification (germline): Uncertain significance (1 of 4 stars; one submission).

Conditions:
Charcot-Marie-Tooth disease dominant intermediate B (CMTDIB). Also called: Charcot-Marie-Tooth disease dominant intermediate 1; CMT DI1; Charcot-Marie-Tooth disease dominant intermediate I; CHARCOT-MARIE-TOOTH NEUROPATHY, DOMINANT INTERMEDIATE B. Identifiers: Orphanet 100044, Orphanet 228179, MedGen C1847902, MONDO:0011674, OMIM 606482.

Allele frequency attached by ClinVar (database versions not stated): gnomAD exomes below 0.00001; ExAC 0.00001.
gnomAD v4.1: 2 of 1,614,112 alleles (0.00012%); highest among the groups gnomAD compares: Non-Finnish European, 0.00017%; no homozygotes.

Submission:

Labcorp Genetics (formerly Invitae), Labcorp
Classification: Uncertain significance for Charcot-Marie-Tooth disease dominant intermediate B. Last evaluated: 2019-04-11. Review status: criteria provided, single submitter. Criteria: Invitae Variant Classification Sherloc (09022015). Collection method: clinical testing. Allele origin: germline.
Comment: This sequence change replaces valine with methionine at codon 338 of the DNM2 protein (p.Val338Met). The valine residue is moderately conserved and there is a small physicochemical difference between valine and methionine. This variant is present in population databases (rs753224039, ExAC 0.001%). This variant has not been reported in the literature in individuals with DNM2-related conditions. Algorithms developed to predict the effect of missense changes on protein structure and function are either unavailable or do not agree on the potential impact of this missense change (SIFT: "Tolerated"; PolyPhen-2: "Possibly Damaging"; Align-GVGD: "Class C0"). In summary, the available evidence is currently insufficient to determine the role of this variant in disease. Therefore, it has been classified as a Variant of Uncertain Significance.

NM_001005361.3(DNM2):c.1012G>A (p.Val338Met)

Gene: DNM2 (dynamin 2; plus strand). Cytogenetic location: 19p13.2.
Variant type: single nucleotide variant.
Coding change: c.1012G>A on transcript NM_001005361.3 (MANE Select); coding-DNA position 1012, G replaced by A.
Protein change: p.Val338Met; replaces valine 338 with methionine.
Molecular consequence: missense variant.
Genome position (GRCh38, 1-based): chr19:10,793,739, G>A. VCF-style: chr19-10793739-G-A. GRCh37 (hg19) VCF-style: chr19-10904415-G-A.
Other names: c.1012G>A, p.Val338Met (NM_001005360.3, NM_001005362.3, NM_001190716.2 and 1 more transcripts); short protein forms V338M.
Identifiers: ClinVar variation 835728 (VCV000835728.9), dbSNP rs753224039, ClinGen allele CA9200970.